The following is an entry in ClinVar:

NM_000268.4(NF2):c.426_432del (p.Ser143fs)

Gene: NF2 (NF2, moesin-ezrin-radixin like (MERLIN) tumor suppressor; plus strand). Cytogenetic location: 22q12.2.
Variant type: Deletion.
Coding change: c.426_432del on transcript NM_000268.4 (MANE Select); coding-DNA positions 426 to 432, 7 bases deleted (TTCTTAC; older notation c.426_432delTTCTTAC).
Protein change: p.Ser143fs; shifts the reading frame from serine 143.
Molecular consequence: frameshift variant. On other transcripts: 5 prime UTR variant (1), non-coding transcript variant (1).
Genome position (GRCh38, 1-based): chr22:29,642,264-29,642,270, TTCTTAC deleted; deleting any 7 consecutive bases within chr22:29,642,263-29,642,270 gives the same sequence; the c. name uses the placement nearest the transcript's 3' end. VCF-style (leftmost placement, unchanged base first): chr22-29642262-GCTTCTTA-G. GRCh37 (hg19) VCF-style: chr22-30038251-GCTTCTTA-G.
Other names: c.312_318del, p.Ser105fs (NM_001407053.1, NM_001407056.1); c.303_309del, p.Ser102fs (NM_001407054.1, NM_001407058.1, NM_001407062.1 and 1 more transcripts); c.300_306del, p.Ser101fs (NM_001407055.1, NM_181828.3); c.426_432del, p.Ser143fs (NM_001407057.1, NM_001407059.1, NM_001407060.1 and 5 more transcripts); c.177_183del, p.Ser60fs (NM_001407063.1, NM_001407064.1, NM_181830.3 and 1 more transcripts); c.-215_-209del (NM_001407065.1); c.195_201del, p.Ser66fs (NM_001407067.1); short protein forms S101fs, S102fs, S105fs, S143fs, S60fs, S66fs.
Identifiers: ClinVar variation 3897728 (VCV003897728.1).

ClinVar aggregate classification (oncogenicity): Oncogenic (1 of 4 stars; one submission).

Conditions:
Meningioma. Also called: Meningioma, somatic. Identifiers: Orphanet 2495, MedGen C0025286, MONDO:0016642, HP:0002858.

Submission:

Dr. Guy Rouleau's laboratory, McGill University
Classification: Oncogenic for Meningioma. Last evaluated: 2025-03-30. Review status: criteria provided, single submitter. Criteria: ClinGen/CGC/VICC Guidelines for Oncogenicity, 2022. Collection method: research. Allele origin: somatic. Affected: yes.
Comment: This frameshift variant generates a premature translational stop signal (p.Ser143fs) in the NF2 gene, which is expected to result in an absent or disrupted protein product. Loss-of-function variants in NF2 are well-established as pathogenic (PMIDs: 8755919, 9643284, 16983642). This somatic variant was identified in a paired tumor-blood sequencing study of meningiomas. It has not been reported in population databases (gnomAD v2.1.1: no frequency).